The following is an entry in ClinVar:

NM_000059.4(BRCA2):c.8332-1357_8377del

Gene: BRCA2 (BRCA2 DNA repair associated; plus strand). Cytogenetic location: 13q13.1.
Variant type: Deletion.
Coding change: c.8332-1357_8377del on transcript NM_000059.4 (MANE Select); 1357 bases into the intron before coding-DNA position 8332 through coding-DNA position 8377, 1,403 bases deleted.
Molecular consequence: splice acceptor variant.
Genome position (GRCh38, 1-based): chr13:32,369,045-32,370,447, 1,403 bases deleted. GRCh37 (hg19): chr13:32,943,182-32,944,584.
Other names: c.8332-1357_8377del (NM_001406720.1); c.8236-1357_8281del (NM_001406719.1); c.3400-1357_3445del (NM_001406721.1); c.1915-1357_1960del (NM_001406722.1).
Identifiers: ClinVar variation 3261652 (VCV003261652.1).

ClinVar aggregate classification (germline): Likely pathogenic (1 of 4 stars; one submission).

Conditions:
Hereditary cancer-predisposing syndrome. Also called: Hereditary Cancer Syndrome; Tumor predisposition; Hereditary neoplastic syndrome; Neoplastic Syndromes, Hereditary. Identifiers: Orphanet 140162, MedGen C0027672, MeSH D009386, MONDO:0015356.

Submission:

Ambry Genetics
Classification: Likely pathogenic for Hereditary cancer-predisposing syndrome. Last evaluated: 2024-06-21. Review status: criteria provided, single submitter. Criteria: Ambry Variant Classification Scheme 2023. Collection method: clinical testing. Allele origin: germline.
Comment: The c.8332-1357_8377del1403 variant results from a deletion of 1403 nucleotides between positions c.8332-1357 and 8377 and involves the canonical splice acceptor site before coding exon 18 of the BRCA2 gene. This variant is considered to be rare based on population cohorts in the Genome Aggregation Database (gnomAD). The canonical splice acceptor site is highly conserved in available vertebrate species. In silico splice site analysis predicts that this alteration will weaken the native splice acceptor site and may weaken the native splice donor site; however, the exact impact of this deletion on BRCA2 splicing and function is currently unknown. Alterations that disrupt the canonical splice site are expected to cause aberrant splicing. The resulting transcript is predicted to be in-frame and is not expected to trigger nonsense-mediated mRNA decay; however, direct evidence is unavailable. The exact functional effect of the predicted impact is unknown; however, the region is critical for protein function (Ambry internal data). Based on the majority of available evidence to date, this variant is likely to be pathogenic.